The following is an entry in ClinVar:

NM_005445.4(SMC3):c.1890T>A (p.Thr630=)

Gene: SMC3 (structural maintenance of chromosomes 3; plus strand). Cytogenetic location: 10q25.2.
Variant type: single nucleotide variant.
Coding change: c.1890T>A on transcript NM_005445.4 (MANE Select); coding-DNA position 1890, T replaced by A.
Protein change: p.Thr630=; no amino-acid change (threonine 630 retained).
Molecular consequence: synonymous variant.
Genome position (GRCh38, 1-based): chr10:110,593,150, T>A. VCF-style: chr10-110593150-T-A. GRCh37 (hg19) VCF-style: chr10-112352908-T-A.
Identifiers: ClinVar variation 734394 (VCV000734394.10), dbSNP rs79046607, ClinGen allele CA5688068.

ClinVar aggregate classification (germline): Likely benign. Review status: criteria provided, multiple submitters, no conflicts (2 of 4 stars). 2 submissions from 2 submitters: Likely benign (2). Last evaluated 2025-01-08.

Conditions:
Cornelia de Lange syndrome 3 (CDLS3). Also called: SMC3-Related Cornelia de Lange Syndrome; CORNELIA DE LANGE SYNDROME 3 WITH OR WITHOUT MIDLINE BRAIN DEFECTS. Identifiers: Orphanet 199, MedGen C1853099, MONDO:0012555, OMIM 610759.

Allele frequency attached by ClinVar (database versions not stated): 1000 Genomes Project 30x 0.00016.
gnomAD v4.1: 165 of 1,614,092 alleles (0.01%); highest among the groups gnomAD compares: East Asian, 0.36%; no homozygotes.

Submissions (2):

Labcorp Genetics (formerly Invitae), Labcorp
Classification: Likely benign for Cornelia de Lange syndrome 3. Last evaluated: 2025-01-08. Review status: criteria provided, single submitter. Criteria: Invitae Variant Classification Sherloc (09022015). Collection method: clinical testing. Allele origin: germline.

Illumina Laboratory Services, Illumina
Classification: Likely benign for Cornelia de Lange syndrome 3. Last evaluated: 2018-01-13. Review status: criteria provided, single submitter. Criteria: ICSL Variant Classification Criteria 13 December 2019. Collection method: clinical testing. Allele origin: germline.
Comment: This variant was observed in the ICSL laboratory as part of a predisposition screen in an ostensibly healthy population. It had not been previously curated by ICSL or reported in the Human Gene Mutation Database (HGMD: prior to June 1st, 2018), and was therefore a candidate for classification through an automated scoring system. Utilizing variant allele frequency, disease prevalence and penetrance estimates, and inheritance mode, an automated score was calculated to assess if this variant is too frequent to cause the disease. Based on the score and internal cut-off values, a variant classified as likely benign is not then subjected to further curation. The score for this variant resulted in a classification of likely benign for this disease.